The following is an entry in ClinVar:

ClinVar aggregate classification (germline): Conflicting classifications of pathogenicity. Review status: criteria provided, conflicting classifications (1 of 4 stars). 3 submissions from 3 submitters: Uncertain significance (1); Likely benign (1). 1 of the submissions does not count toward it. Last evaluated 2023-08-27.

Conditions:
HSPG2-related disorder. Also called: HSPG2-related disorders; HSPG2-related condition.
Connective tissue disorder. Also called: Connective tissue disease. Identifiers: MedGen C0009782, MONDO:0003900.

Allele frequency attached by ClinVar (database versions not stated): ExAC 0.00001; gnomAD exomes 0.00001 and 0.00002; ESP Exome Variant Server 0.00015; gnomAD 0.00020 and 0.00021; TOPMed 0.00024.
gnomAD v4.1: 53 of 1,613,438 alleles (0.0033%); highest among the groups gnomAD compares: African/African-American, 0.065%; no homozygotes.

Submissions (3):

Labcorp Genetics (formerly Invitae), Labcorp
Classification: Likely benign. Last evaluated: 2023-08-27. Review status: criteria provided, single submitter. Criteria: Invitae Variant Classification Sherloc (09022015). Collection method: clinical testing. Allele origin: germline.

Genome Diagnostics Laboratory, The Hospital for Sick Children
Classification: Uncertain significance for Connective tissue disorder. Last evaluated: 2019-02-01. Review status: criteria provided, single submitter. Criteria: ACMG Guidelines, 2015. Collection method: clinical testing. Allele origin: germline.

PreventionGenetics, part of Exact Sciences
Classification: Likely benign for HSPG2-related condition. Last evaluated: 2019-02-21. Review status: no assertion criteria provided. Collection method: clinical testing. Allele origin: germline. Not counted in ClinVar's aggregate classification.
Comment: This variant is classified as likely benign based on ACMG/AMP sequence variant interpretation guidelines (Richards et al. 2015 PMID: 25741868, with internal and published modifications).

NM_005529.7(HSPG2):c.11970G>A (p.Glu3990=)

Gene: HSPG2 (heparan sulfate proteoglycan 2; minus strand). Cytogenetic location: 1p36.12.
Variant type: single nucleotide variant.
Coding change: c.11970G>A on transcript NM_005529.7 (MANE Select); coding-DNA position 11970, G replaced by A.
Protein change: p.Glu3990=; no amino-acid change (glutamic acid 3990 retained).
Molecular consequence: synonymous variant.
Genome position (GRCh38, 1-based): chr1:21,829,405, C>T on the plus strand (G>A on the coding strand, the complement: HSPG2 is on the minus strand). VCF-style: chr1-21829405-C-T. GRCh37 (hg19) VCF-style: chr1-22155898-C-T.
Other names: c.11973G>A, p.Glu3991= (NM_001291860.2).
Identifiers: ClinVar variation 746191 (VCV000746191.13), dbSNP rs140509598, ClinGen allele CA669568.